The following is an entry in ClinVar:

NM_203290.4(POLR1C):c.836G>A (p.Arg279Gln)

Gene: POLR1C (RNA polymerase I and III subunit C; plus strand). Cytogenetic location: 6p21.1.
Variant type: single nucleotide variant.
Coding change: c.836G>A on transcript NM_203290.4 (MANE Select); coding-DNA position 836, G replaced by A.
Protein change: p.Arg279Gln; replaces arginine 279 with glutamine.
Molecular consequence: missense variant.
Genome position (GRCh38, 1-based): chr6:43,520,962, G>A. VCF-style: chr6-43520962-G-A. GRCh37 (hg19) VCF-style: chr6-43488700-G-A.
Other names: NM_203290.2(POLR1C):c.836G>A(p.Arg279Gln); c.836G>A, p.Arg279Gln (NM_001318876.2, NM_001363658.2); short protein forms R279Q.
Identifiers: ClinVar variation 30811 (VCV000030811.69), dbSNP rs191582628, ClinGen allele CA259909.

ClinVar aggregate classification (germline): Pathogenic/Likely pathogenic. Review status: criteria provided, multiple submitters, no conflicts (2 of 4 stars). 16 submissions from 16 submitters: Pathogenic (14); Likely pathogenic (1). 1 of the submissions does not count toward it. Last evaluated 2026-04-27.

Conditions:
POLR1C-related disorder. Also called: POLR1C-related disorders; POLR1C-related condition. Identifiers: MedGen CN239394, MONDO:0700278.
Treacher Collins syndrome 3 (TCS3). Also called: POLR1C-Related Treacher Collins Syndrome. Identifiers: Orphanet 861, MedGen C1855433, MONDO:0009558, OMIM 248390.
Leukodystrophy, hypomyelinating, 11. Identifiers: Orphanet 88637, MedGen C4225305, MONDO:0014666, OMIM 616494.
Inborn genetic diseases. Identifiers: MedGen C0950123, MeSH D030342.

Allele frequency attached by ClinVar (database versions not stated): gnomAD 0.00010; ExAC 0.00014; ESP Exome Variant Server 0.00015; 1000 Genomes Project 30x 0.00016; TOPMed 0.00016; gnomAD exomes 0.00018 and 0.00020; 1000 Genomes Project 0.00020.
gnomAD v4.1: 291 of 1,614,158 alleles (0.018%); highest among the groups gnomAD compares: Admixed American, 0.093%; no homozygotes.

Submissions (16):

Dasa
Classification: Pathogenic. Last evaluated: 2026-04-27. Review status: criteria provided, single submitter. Criteria: DASA Assertion Criteria. Collection method: clinical testing. Allele origin: germline.
Comment: NM_203290.4(POLR1C):c.836G>A (p.Arg279Gln) is a missense variant that results in the substitution of arginine with glutamine. Functional evidence supports a deleterious effect on the gene or gene product (PMID: 26151409; PMID: 29567474; PMID: 21131976; PMID: 30957429). This variant has been recurrently observed in individuals with related phenotype (PMID: 26151409; PMID: 29567474; PMID: 21131976; PMID: 30957429). Segregation evidence has been reported in affected families. Multiple computational predictions support a deleterious effect on the gene or gene product. The variant is present at low frequency in population datasets. Based on the available data, this variant is classified as pathogenic.

OLLIN Analises Genomicas, OLLIN
Classification: Pathogenic for Leukodystrophy, hypomyelinating, 11. Last evaluated: 2026-02-13. Review status: criteria provided, single submitter. Criteria: ACMG Guidelines 2015 PMID 25741868. Collection method: clinical testing. Allele origin: germline. Observed: 1 variant allele.
Comment: PS3_P, PM2_P, PM3_VS, PM5, PP1, PP3

Labcorp Genetics (formerly Invitae), Labcorp
Classification: Pathogenic. Last evaluated: 2025-12-16. Review status: criteria provided, single submitter. Criteria: Invitae Variant Classification Sherloc (09022015). Collection method: clinical testing. Allele origin: germline.
Comment: This sequence change replaces arginine, which is basic and polar, with glutamine, which is neutral and polar, at codon 279 of the POLR1C protein (p.Arg279Gln). This variant is present in population databases (rs191582628, gnomAD 0.07%). This missense change has been observed in individuals with clinical features of Treacher Collins syndrome (PMID: 21131976, 30957429). It has also been observed to segregate with disease in related individuals. ClinVar contains an entry for this variant (Variation ID: 30811). Invitae Evidence Modeling of protein sequence and biophysical properties (such as structural, functional, and spatial information, amino acid conservation, physicochemical variation, residue mobility, and thermodynamic stability) indicates that this missense variant is expected to disrupt POLR1C protein function with a positive predictive value of 80%. Experimental studies have shown that this missense change affects POLR1C function (PMID: 26151409, 29567474). For these reasons, this variant has been classified as Pathogenic.

PreventionGenetics, part of Exact Sciences
Classification: Pathogenic for POLR1C-related condition. Last evaluated: 2025-05-23. Review status: criteria provided, single submitter. Criteria: ACMG Guidelines, 2015. Collection method: clinical testing. Allele origin: germline.
Comment: The POLR1C c.836G>A variant is predicted to result in the amino acid substitution p.Arg279Gln. This variant has been reported in the compound heterozygous state in unrelated individuals with autosomal recessive Treacher Collins syndrome (Dauwerse et al. 2011. PubMed ID: 21131976; Thiffault et al. 2015. PubMed ID: 26151409; Ghesh et al. 2019. PubMed ID: 30957429; Ching-López et al. 2021. PubMed ID: 33804237). In vitro functional studies indicate this variant impacts normal protein function and/or localization (Thiffault et al. 2015. PubMed ID: 26151409; Matsumoto et al. 2018. PubMed ID: 29567474). This variant is reported in 0.068% of alleles in individuals of Latino descent in gnomAD and it is interpreted as pathogenic and likely pathogenic in ClinVar. In summary, this variant is interpreted as pathogenic.

Blueprint Genetics
Classification: Pathogenic for POLR1C-related disorders. Last evaluated: 2024-11-13. Review status: criteria provided, single submitter. Criteria: ACMG Guidelines, 2015. Collection method: clinical testing. Allele origin: germline. Affected: yes. Observed: 5 variant alleles.

Fulgent Genetics
Classification: Pathogenic for Treacher Collins syndrome 3; Leukodystrophy, hypomyelinating, 11. Last evaluated: 2024-03-20. Review status: criteria provided, single submitter. Criteria: ACMG Guidelines, 2015. Collection method: clinical testing. Allele origin: germline.

GeneDx
Classification: Pathogenic. Last evaluated: 2023-12-05. Review status: criteria provided, single submitter. Criteria: GeneDx Variant Classification Process June 2021. Collection method: clinical testing. Allele origin: germline. Affected: yes.
Comment: A different missense change at this residue (R279W) has been reported as pathogenic in the published literature and at GeneDx, in association with POLR1C-related disorder (PMID: 21131976); Published functional studies demonstrate that R279Q impairs targeting of the protein to the nucleolus and inhibits chondrogenic differentiation (PMID: 29567474, 26151409); In silico analysis supports that this missense variant has a deleterious effect on protein structure/function; This variant is associated with the following publications: (PMID: 26151409, 33558764, 35012964, 37197783, 30957429, 33804237, 31589614, 33726816, 36082953, 36271492, 21131976, 32042905, 29567474)

Women's Health and Genetics/Laboratory Corporation of America, LabCorp
Classification: Pathogenic for POLR1C-related disorder. Last evaluated: 2022-08-12. Review status: criteria provided, single submitter. Criteria: LabCorp Variant Classification Summary - May 2015. Collection method: clinical testing. Allele origin: germline.
Comment: Variant summary: POLR1C c.836G>A (p.Arg279Gln) results in a conservative amino acid change located in the DNA-directed RNA polymerase, RpoA/D/Rpb3-type domain (IPR011263) of the encoded protein sequence. Four of five in-silico tools predict a damaging effect of the variant on protein function. The variant allele was found at a frequency of 0.0002 in 251432 control chromosomes. This frequency does not allow conclusions about variant significance. c.836G>A has been reported in the literature as homozygous and compound heterozygous genotypes in individuals affected with POLR1C-Related Disorders, specifically Treacher-Collins syndrome and in cohorts with a diagnosis of childhood cerebellar ataxia, specifically hypomyelinating leukodystrophy (example, Dauwerse_2010, Ghesh_2019, Ching-Lopez_2021). These data indicate that the variant is very likely to be associated with disease. To our knowledge, no experimental evidence demonstrating an impact on protein function has been reported. Six clinical diagnostic laboratories have submitted clinical-significance assessments for this variant to ClinVar after 2014 without evidence for independent evaluation. All laboratories classified the variant as pathogenic/likely pathogenic. Based on the evidence outlined above, the variant was classified as pathogenic.

Revvity Omics, Revvity
Classification: Pathogenic. Last evaluated: 2022-05-06. Review status: criteria provided, single submitter. Criteria: ACMG Guidelines, 2015. Collection method: clinical testing. Allele origin: germline.

Ambry Genetics
Classification: Pathogenic for Inborn genetic diseases. Last evaluated: 2021-01-13. Review status: criteria provided, single submitter. Criteria: Ambry Variant Classification Scheme 2023. Collection method: clinical testing. Allele origin: germline.
Comment: The c.836G>A (p.R279Q) alteration is located in exon 8 (coding exon 8) of the POLR1C gene. This alteration results from a G to A substitution at nucleotide position 836, causing the arginine (R) at amino acid position 279 to be replaced by a glutamine (Q). Based on data from the Genome Aggregation Database (gnomAD) database, the POLR1C c.836G>A alteration was observed in 0.02% (54/282838) of total alleles studied, with a frequency of 0.07% (24/35440) in the Latino subpopulation. This mutation was identified in three individuals with Treacher Collins syndrome and a second POLR1C variant in trans (Dauwerse, 2011; Ghesh, 2019). It was also identified in two individuals with leukodystrophy; one individual was compound heterozygous and the other was homozygous for this mutation (Gauquelin, 2019). In COS7 and ATDC5 cells with this mutation, the protein localized to the lysosome rather than the nuclear regions (Matsumoto, 2018). The p.R279Q alteration is predicted to be deleterious by in silico analysis. Based on the available evidence, this alteration is classified as pathogenic.

SIB Swiss Institute of Bioinformatics
Classification: Pathogenic for Treacher Collins syndrome 3. Last evaluated: 2018-05-31. Review status: criteria provided, single submitter. Criteria: ACMG Guidelines, 2015. Collection method: curation. Allele origin: unknown.
Comment: This variant is interpreted as a Pathogenic, for Treacher Collins syndrome 3, in Autosomal Recessive manner. The following ACMG Tag(s) were applied: PM2-Supporting =>PM2 downgraded in strength to Supporting. PS3 => Well-established functional studies show a deleterious effect (PMID:29567474). PP1 => Cosegregation with disease in multiple affected family members in a gene definitively known to cause the disease (PMID:21131976). PM3 => For recessive disorders, detected in trans with a pathogenic variant (PMID:21131976). PM5 => Novel missense change at an amino acid residue where a different missense change determined to be pathogenic has been seen before (PMID:21131976). PP3 => Multiple lines of computational evidence support a deleterious effect on the gene or gene product.

Center for Pediatric Genomic Medicine, Children's Mercy Hospital and Clinics
Classification: Pathogenic. Last evaluated: 2017-06-01. Review status: criteria provided, single submitter. Criteria: ACMG Guidelines, 2015. Collection method: clinical testing. Allele origin: germline.

Illumina Laboratory Services, Illumina
Classification: Likely pathogenic for Treacher Collins syndrome 3. Last evaluated: 2017-04-27. Review status: criteria provided, single submitter. Criteria: ICSL Variant Classification Criteria 09 May 2019. Collection method: clinical testing. Allele origin: germline.
Comment: The POLR1C c.836G>A (p.Arg279Gln) missense variant has been reported in one study in which it was identified in a compound heterozygous state in three individuals, including two siblings, with Treacher Collins syndrome (Dauwerse et al. 2011). The p.Arg279Gln was also found in a heterozygous state in four unaffected family members. The variant was absent from 272 controls but is reported at a frequency of 0.00052 in the Latino population of the Exome Aggregation Consortium. Functional studies in HeLa cell lines stably expressing wild type or p.Arg279Gln-POLR1C demonstrated that the p.Arg279Gln variant did not affect polymerase assembly but did impair the targeting of the POLR1C protein to the nucleolus, the site of Pol I transcription (Thiffault et al. 2015). Based on the evidence, the p.Arg279Gln variant is classified as likely pathogenic for Treacher Collins syndrome. This variant was observed by ICSL as part of a predisposition screen in an ostensibly healthy population.

CeGaT Center for Human Genetics Tuebingen
Classification: Pathogenic. Last evaluated: 2016-10-01. Review status: criteria provided, single submitter. Criteria: CeGaT Center For Human Genetics Tuebingen Variant Classification Criteria Version 2. Collection method: clinical testing. Allele origin: germline. Affected: yes. Observed: 1 variant allele.

MyeliNeuroGene Lab, McGill University Health Center Research Institute
Classification: Pathogenic for Leukodystrophy, hypomyelinating, 11. Review status: criteria provided, single submitter. Criteria: ACMG Guidelines, 2015. Collection method: research. Allele origin: inherited. Inheritance: Autosomal recessive inheritance. Affected: no.

OMIM
Classification: Pathogenic for TREACHER COLLINS SYNDROME 3. Last evaluated: 2011-01-01. Review status: no assertion criteria provided. Collection method: literature only. Allele origin: germline. Not counted in ClinVar's aggregate classification.

Literature cited by the submitters: PubMed 26151409 (cited by 4 submitters); PubMed 29567474 (cited by 4 submitters); PubMed 21131976 (cited by 7 submitters); PubMed 30957429 (cited by 4 submitters); PubMed 33804237 (cited by Women's Health and Genetics/Laboratory Corporation of America, LabCorp); PubMed 32042905 (cited by Ambry Genetics); PubMed 610060 (cited by MyeliNeuroGene Lab, McGill University Health Center Research Institute); PubMed 11013442 (cited by OMIM).